The following is an entry in ClinVar:

ClinVar aggregate classification (germline): Likely benign (1 of 4 stars; one submission).

Submission:

CeGaT Center for Human Genetics Tuebingen
Classification: Likely benign. Last evaluated: 2026-09-01. Review status: criteria provided, single submitter. Criteria: CeGaT Center For Human Genetics Tuebingen Variant Classification Criteria Version 2. Collection method: clinical testing. Allele origin: germline. Affected: yes. Observed: 1 variant allele.
Comment: GNAO1: PM2:Supporting, BP4, BP7

NM_020988.3(GNAO1):c.723+6904C>T

Gene: GNAO1 (G protein subunit alpha o1; plus strand). Cytogenetic location: 16q13.
Variant type: single nucleotide variant.
Coding change: c.723+6904C>T on transcript NM_020988.3 (MANE Select); 6904 bases into the intron after coding-DNA position 723, C replaced by T.
Molecular consequence: intron variant. On other transcripts: synonymous variant (1).
Genome position (GRCh38, 1-based): chr16:56,343,764, C>T. VCF-style: chr16-56343764-C-T. GRCh37 (hg19) VCF-style: chr16-56377676-C-T.
Other names: c.879C>T, p.Gly293= (NM_138736.3).
Identifiers: ClinVar variation 5041808 (VCV005041808.1).